The following is an entry in ClinVar:

ClinVar aggregate classification (germline): Uncertain significance. Review status: criteria provided, multiple submitters, no conflicts (2 of 4 stars). 3 submissions from 3 submitters: Uncertain significance (3). Last evaluated 2023-09-13.

Conditions:
L-2-hydroxyglutaric aciduria (L2HGA). Identifiers: Orphanet 79314, MedGen C1855995, MONDO:0009370, OMIM 236792, HP:0040144.
Inborn genetic diseases. Identifiers: MedGen C0950123, MeSH D030342.

Allele frequency attached by ClinVar (database versions not stated): TOPMed below 0.00001; ExAC 0.00001; gnomAD 0.00001; gnomAD exomes 0.00001 and 0.00002.
gnomAD v4.1: 11 of 1,613,328 alleles (0.00068%); highest among the groups gnomAD compares: East Asian, 0.0089%; no homozygotes.

Submissions (3):

Ambry Genetics
Classification: Uncertain significance for Inborn genetic diseases. Last evaluated: 2023-09-13. Review status: criteria provided, single submitter. Criteria: Ambry Variant Classification Scheme 2023. Collection method: clinical testing. Allele origin: germline.

Department of Pathology and Laboratory Medicine, Sinai Health System
Classification: Uncertain significance for L-2-hydroxyglutaric aciduria. Last evaluated: 2021-08-10. Review status: criteria provided, single submitter. Criteria: ACMG Guidelines, 2015. Collection method: research. Allele origin: germline.

Labcorp Genetics (formerly Invitae), Labcorp
Classification: Uncertain significance for L-2-hydroxyglutaric aciduria. Last evaluated: 2019-12-11. Review status: criteria provided, single submitter. Criteria: Invitae Variant Classification Sherloc (09022015). Collection method: clinical testing. Allele origin: germline.
Comment: In summary, the available evidence is currently insufficient to determine the role of this variant in disease. Therefore, it has been classified as a Variant of Uncertain Significance. Algorithms developed to predict the effect of missense changes on protein structure and function (SIFT, PolyPhen-2, Align-GVGD) all suggest that this variant is likely to be tolerated, but these predictions have not been confirmed by published functional studies and their clinical significance is uncertain. This variant has not been reported in the literature in individuals with L2HGDH-related conditions. This variant is present in population databases (rs754748944, ExAC 0.01%). This sequence change replaces glutamine with lysine at codon 458 of the L2HGDH protein (p.Gln458Lys). The glutamine residue is weakly conserved and there is a small physicochemical difference between glutamine and lysine.

NM_024884.3(L2HGDH):c.1372C>A (p.Gln458Lys)

Gene: L2HGDH (L-2-hydroxyglutarate dehydrogenase; minus strand). Cytogenetic location: 14q21.3.
Variant type: single nucleotide variant.
Coding change: c.1372C>A on transcript NM_024884.3 (MANE Select); coding-DNA position 1372, C replaced by A.
Protein change: p.Gln458Lys; replaces glutamine 458 with lysine.
Molecular consequence: missense variant.
Genome position (GRCh38, 1-based): chr14:50,247,078, G>T on the plus strand (C>A on the coding strand, the complement: L2HGDH is on the minus strand). VCF-style: chr14-50247078-G-T. GRCh37 (hg19) VCF-style: chr14-50713796-G-T.
Other names: short protein forms Q458K.
Identifiers: ClinVar variation 849499 (VCV000849499.11), dbSNP rs754748944, ClinGen allele CA7177736.
Genomic context (GRCh38, chr14:50,247,078, plus strand): 5'-GACATGAAGATTACAGTGCATACCTAGCTCCTTTCATTATTTATAATTCAAATCTTTGTT[G>T]TACTTCATCTGCAATCATTCCAGAAATTGCAATGGAAGAAGTAGCAGCAGGAGAAGGTGC-3'
Protein context (NP_079160.1, residues 448-463): AISGMIADEV[Gln458Lys]QRFEL